The following is an entry in ClinVar:

ClinVar aggregate classification (germline): Pathogenic (1 of 4 stars; one submission).

Conditions:
Sulfite oxidase deficiency due to molybdenum cofactor deficiency type C. Also called: Molybdenum cofactor deficiency, complementation group C; Molybdenum cofactor deficiency C. Identifiers: Orphanet 308400, Orphanet 833, MedGen C1854990, MONDO:0014212, OMIM 615501.

Submission:

Labcorp Genetics (formerly Invitae), Labcorp
Classification: Pathogenic for Molybdenum cofactor deficiency, complementation group C. Last evaluated: 2019-07-26. Review status: criteria provided, single submitter. Criteria: Invitae Variant Classification Sherloc (09022015). Collection method: clinical testing. Allele origin: germline.
Comment: This variant is a gross deletion of the genomic region encompassing exon 1 of the GPHN gene, which includes the initiator codon. The 5' end of this event is unknown as it extends beyond the assayed region for this gene and therefore may encompass additional genes. The 3' boundary is likely confined to intron 1 of the GPHN gene. This is expected to result in an absent or disrupted protein product. This variant has not been reported in the literature in individuals with GPHN-related disease. Loss-of-function variants in GPHN are known to be pathogenic (PMID: 11095995). For these reasons, this variant has been classified as Pathogenic.

NC_000014.9:g.(?_66508508)_(66508611_?)del

Gene: GPHN (gephyrin; plus strand). Cytogenetic location: 14q23.3.
Variant type: Deletion.
Identifiers: ClinVar variation 831995 (VCV000831995.1).